The following is an entry in ClinVar:

ClinVar aggregate classification (germline): Uncertain significance (1 of 4 stars; one submission).

gnomAD v4.1: 2 of 1,614,030 alleles (0.00012%); highest among the groups gnomAD compares: South Asian, 0.0022%; no homozygotes.

Submission:

Ambry Genetics
Classification: Uncertain significance. Last evaluated: 2025-12-31. Review status: criteria provided, single submitter. Criteria: Ambry Variant Classification Scheme 2023. Collection method: clinical testing. Allele origin: germline.
Comment: The c.344G>C (p.G115A) alteration is located in exon 3 (coding exon 2) of the APOL6 gene. This alteration results from a G to C substitution at nucleotide position 344, causing the glycine (G) at amino acid position 115 to be replaced by an alanine (A). Based on data from gnomAD, the C allele has an overall frequency of <0.001% (1/250330) total alleles studied. The highest observed frequency was 0.003% (1/30604) of South Asian alleles. Based on insufficient or conflicting evidence, the clinical significance of this alteration remains unclear.

NM_030641.4(APOL6):c.344G>C (p.Gly115Ala)

Gene: APOL6 (apolipoprotein L6; plus strand). Cytogenetic location: 22q12.3.
Variant type: single nucleotide variant.
Coding change: c.344G>C on transcript NM_030641.4 (MANE Select); coding-DNA position 344, G replaced by C.
Protein change: p.Gly115Ala; replaces glycine 115 with alanine.
Molecular consequence: missense variant.
Genome position (GRCh38, 1-based): chr22:35,658,908, G>C. VCF-style: chr22-35658908-G-C. GRCh37 (hg19) VCF-style: chr22-36054955-G-C.
Other names: short protein forms G115A.
Identifiers: ClinVar variation 4838967 (VCV004838967.1).